The following is an entry in ClinVar:

NM_022132.5(MCCC2):c.*1466T>C

Gene: MCCC2 (methylcrotonyl-CoA carboxylase subunit 2; plus strand). Cytogenetic location: 5q13.2.
Variant type: single nucleotide variant.
Coding change: c.*1466T>C on transcript NM_022132.5 (MANE Select); 1466 bases downstream of the stop codon, T replaced by C.
Molecular consequence: 3 prime UTR variant.
Genome position (GRCh38, 1-based): chr5:71,658,326, T>C. VCF-style: chr5-71658326-T-C. GRCh37 (hg19) VCF-style: chr5-70954153-T-C.
Other names: c.*1466T>C (NM_001363147.1).
Identifiers: ClinVar variation 905348 (VCV000905348.4), dbSNP rs148015309, ClinGen allele CA120009784.
Genomic context (GRCh38, chr5:71,658,326, plus strand): 5'-GGTCTATAAGGTTCCCTCTGCCCAAATTGTTCTACTCTCCCTTCTTCTTCAACACATCCT[T>C]CAGTTTAAGCACTTGCTTCTCTCAGTTTAAACTCCACTTCCTTAGGGATGTCTCTGTGAC-3'

ClinVar aggregate classification (germline): Benign (1 of 4 stars; one submission).

Conditions:
3-methylcrotonyl-CoA carboxylase 2 deficiency. Also called: METHYLCROTONYLGLYCINURIA, TYPE II; 3 alpha methylcrotonyl-CoA carboxylase 2 deficiency; 3 alpha methylcrotonylglycinuria 2; MCC 2 deficiency; Methylcrotonylglycinuria type 2. Identifiers: Orphanet 6, MedGen C1859499, MONDO:0008862, OMIM 210210.

Allele frequency attached by ClinVar (database versions not stated): gnomAD 0.00143 and 0.00179; TOPMed 0.00229; 1000 Genomes Project 0.00599; 1000 Genomes Project 30x 0.00656.

Submission:

Illumina Laboratory Services, Illumina
Classification: Benign for 3-methylcrotonyl-CoA carboxylase 2 deficiency. Last evaluated: 2017-04-27. Review status: criteria provided, single submitter. Criteria: ICSL Variant Classification Criteria 13 December 2019. Collection method: clinical testing. Allele origin: germline.
Comment: This variant was observed as part of a predisposition screen in an ostensibly healthy population. A literature search was performed for the gene, cDNA change, and amino acid change (where applicable). No publications were found based on this search. Allele frequency data from public databases was too high to be consistent with this variant causing disease. Therefore, this variant is classified as benign.